The following is an entry in ClinVar:

NM_001184880.2(PCDH19):c.92_95dup (p.Gln33fs)

Gene: PCDH19 (protocadherin 19; minus strand). Cytogenetic location: Xq22.1.
Variant type: Duplication.
Coding change: c.92_95dup on transcript NM_001184880.2 (MANE Select); coding-DNA positions 92 to 95, 4 bases duplicated (AGGA; older notation c.92_95dupAGGA).
Protein change: p.Gln33fs; shifts the reading frame from glutamine 33.
Molecular consequence: frameshift variant.
Genome position (GRCh38, 1-based): chrX:100,408,503-100,408,506, TCCT duplicated on the plus strand (AGGA on the coding strand, the reverse complement: PCDH19 is on the minus strand). VCF-style (leftmost placement, unchanged base first): chrX-100408502-C-CTCCT. GRCh37 (hg19) VCF-style: chrX-99663500-C-CTCCT.
Other names: c.92_95dup, p.Gln33fs (NM_001105243.2, NM_020766.3); short protein forms Q33fs.
Identifiers: ClinVar variation 1457997 (VCV001457997.6), dbSNP rs2147542719, ClinGen allele CA2573159034.
Genomic context (GRCh38, chrX:100,408,502, plus strand): 5'-CGCGAAGCCCGCCTCTCGCGCGTCTTTGGCCACGTTGGCAATCACCGTCCCGGCGCGCTG[C>CTCCT]TCCTCTTCTACCGAGTACTTGAGATTAATGAGGGCGGCAGCCTGCGTCCACAGTATGGCC-3'

ClinVar aggregate classification (germline): Pathogenic (1 of 4 stars; one submission).

Conditions:
Developmental and epileptic encephalopathy, 9 (DEE9). Also called: JUBERG-HELLMAN SYNDROME; EPILEPSY, FEMALE-RESTRICTED, WITH MENTAL RETARDATION; Early infantile epileptic encephalopathy 9; PCDH19-Related X-Linked Female-Limited Epilepsy with Mental Retardation. Identifiers: Orphanet 101039, Orphanet 2076, MedGen C1848137, MONDO:0010246, OMIM 300088. Disease mechanism: loss of function.

Submission:

Labcorp Genetics (formerly Invitae), Labcorp
Classification: Pathogenic for Developmental and epileptic encephalopathy, 9. Last evaluated: 2022-02-02. Review status: criteria provided, single submitter. Criteria: Invitae Variant Classification Sherloc (09022015). Collection method: clinical testing. Allele origin: germline.
Comment: For these reasons, this variant has been classified as Pathogenic. This variant has not been reported in the literature in individuals affected with PCDH19-related conditions. This variant is not present in population databases (gnomAD no frequency). This sequence change creates a premature translational stop signal (p.Gln33Glyfs*57) in the PCDH19 gene. It is expected to result in an absent or disrupted protein product. Loss-of-function variants in PCDH19 are known to be pathogenic (PMID: 21053371).

Literature cited by the submitters: PubMed 21053371.